The following is an entry in ClinVar:

NM_000286.3(PEX12):c.907G>A (p.Val303Met)

Gene: PEX12 (peroxisomal biogenesis factor 12; minus strand). Cytogenetic location: 17q12.
Variant type: single nucleotide variant.
Coding change: c.907G>A on transcript NM_000286.3 (MANE Select); coding-DNA position 907, G replaced by A.
Protein change: p.Val303Met; replaces valine 303 with methionine.
Molecular consequence: missense variant.
Genome position (GRCh38, 1-based): chr17:35,575,955, C>T on the plus strand (G>A on the coding strand, the complement: PEX12 is on the minus strand). VCF-style: chr17-35575955-C-T. GRCh37 (hg19) VCF-style: chr17-33902974-C-T.
Other names: short protein forms V303M.
Identifiers: ClinVar variation 1307128 (VCV001307128.28), dbSNP rs777654572, ClinGen allele CA8504822.

ClinVar aggregate classification (germline): Uncertain significance. Review status: criteria provided, multiple submitters, no conflicts (2 of 4 stars). 4 submissions from 4 submitters: Uncertain significance (4). Last evaluated 2025-09-11.

Conditions:
Inborn genetic diseases. Identifiers: MedGen C0950123, MeSH D030342.
Peroxisome biogenesis disorder 3A (Zellweger). Also called: PEROXISOMAL BIOGENESIS DISORDER 3A (ZELLWEGER); Peroxisome biogenesis disorder 3A. Identifiers: Orphanet 912, MedGen C3553929, MONDO:0013927, OMIM 614859.

Allele frequency attached by ClinVar (database versions not stated): ExAC 0.00001; gnomAD exomes 0.00002; TOPMed 0.00002; gnomAD 0.00003.

Submissions (4):

GeneDx
Classification: Uncertain significance. Last evaluated: 2025-09-11. Review status: criteria provided, single submitter. Criteria: GeneDx Variant Classification Process June 2021. Collection method: clinical testing. Allele origin: germline. Affected: yes.
Comment: Not observed at significant frequency in large population cohorts (gnomAD); In silico analysis suggests that this missense variant does not alter protein structure/function; Has not been previously published as pathogenic or benign to our knowledge

Ambry Genetics
Classification: Uncertain significance for Inborn genetic diseases. Last evaluated: 2025-01-08. Review status: criteria provided, single submitter. Criteria: Ambry Variant Classification Scheme 2023. Collection method: clinical testing. Allele origin: germline.

Labcorp Genetics (formerly Invitae), Labcorp
Classification: Uncertain significance for Peroxisome biogenesis disorder 3A (Zellweger). Last evaluated: 2022-07-18. Review status: criteria provided, single submitter. Criteria: Invitae Variant Classification Sherloc (09022015). Collection method: clinical testing. Allele origin: germline.
Comment: This sequence change replaces valine, which is neutral and non-polar, with methionine, which is neutral and non-polar, at codon 303 of the PEX12 protein (p.Val303Met). This variant is present in population databases (rs777654572, gnomAD 0.004%). This variant has not been reported in the literature in individuals affected with PEX12-related conditions. ClinVar contains an entry for this variant (Variation ID: 1307128). Algorithms developed to predict the effect of missense changes on protein structure and function are either unavailable or do not agree on the potential impact of this missense change (SIFT: "Tolerated"; PolyPhen-2: "Possibly Damaging"; Align-GVGD: "Class C0"). In summary, the available evidence is currently insufficient to determine the role of this variant in disease. Therefore, it has been classified as a Variant of Uncertain Significance.

CeGaT Center for Human Genetics Tuebingen
Classification: Uncertain significance. Last evaluated: 2022-07-01. Review status: criteria provided, single submitter. Criteria: CeGaT Center For Human Genetics Tuebingen Variant Classification Criteria Version 2. Collection method: clinical testing. Allele origin: germline. Affected: yes. Observed: 1 variant allele.
Comment: PEX12: PM2, PP3, BP5